The following is an entry in ClinVar:

ClinVar aggregate classification (germline): Uncertain significance (1 of 4 stars; one submission).

gnomAD v4.1: 1 of 1,589,554 alleles (0.000063%); highest among the groups gnomAD compares: Non-Finnish European, 0.000086%; no homozygotes.

Submission:

Labcorp Genetics (formerly Invitae), Labcorp
Classification: Uncertain significance. Last evaluated: 2024-04-02. Review status: criteria provided, single submitter. Criteria: Invitae Variant Classification Sherloc (09022015). Collection method: clinical testing. Allele origin: germline.
Comment: This sequence change replaces alanine, which is neutral and non-polar, with threonine, which is neutral and polar, at codon 496 of the LZTR1 protein (p.Ala496Thr). This variant is not present in population databases (gnomAD no frequency). This variant has not been reported in the literature in individuals affected with LZTR1-related conditions. Advanced modeling of protein sequence and biophysical properties (such as structural, functional, and spatial information, amino acid conservation, physicochemical variation, residue mobility, and thermodynamic stability) performed at Invitae indicates that this missense variant is not expected to disrupt LZTR1 protein function with a negative predictive value of 80%. In summary, the available evidence is currently insufficient to determine the role of this variant in disease. Therefore, it has been classified as a Variant of Uncertain Significance.

NM_006767.4(LZTR1):c.1486G>A (p.Ala496Thr)

Gene: LZTR1 (leucine zipper like post translational regulator 1; plus strand). Cytogenetic location: 22q11.21.
Variant type: single nucleotide variant.
Coding change: c.1486G>A on transcript NM_006767.4 (MANE Select); coding-DNA position 1486, G replaced by A.
Protein change: p.Ala496Thr; replaces alanine 496 with threonine.
Molecular consequence: missense variant.
Genome position (GRCh38, 1-based): chr22:20,994,140, G>A. VCF-style: chr22-20994140-G-A. GRCh37 (hg19) VCF-style: chr22-21348429-G-A.
Other names: short protein forms A496T.
Identifiers: ClinVar variation 3630128 (VCV003630128.2).